The following is an entry in ClinVar:

NM_001111.5(ADAR):c.1833T>A (p.Ser611=)

Gene: ADAR (adenosine deaminase RNA specific; minus strand). Cytogenetic location: 1q21.3.
Variant type: single nucleotide variant.
Coding change: c.1833T>A on transcript NM_001111.5 (MANE Select); coding-DNA position 1833, T replaced by A.
Protein change: p.Ser611=; no amino-acid change (serine 611 retained).
Molecular consequence: synonymous variant.
Genome position (GRCh38, 1-based): chr1:154,597,929, A>T on the plus strand (T>A on the coding strand, the complement: ADAR is on the minus strand). VCF-style: chr1-154597929-A-T. GRCh37 (hg19) VCF-style: chr1-154570405-A-T.
Other names: c.948T>A, p.Ser316= (NM_001025107.3, NM_001193495.2, NM_001365046.1 and 3 more transcripts); c.1860T>A, p.Ser620= (NM_001365045.1); c.1833T>A, p.Ser611= (NM_015840.4, NM_015841.4).
Identifiers: ClinVar variation 2189385 (VCV002189385.5), dbSNP rs752034294, ClinGen allele CA1131447.

ClinVar aggregate classification (germline): Uncertain significance. Review status: criteria provided, multiple submitters, no conflicts (2 of 4 stars). 2 submissions from 2 submitters: Uncertain significance (2). Last evaluated 2022-10-19.

Conditions:
Aicardi-Goutieres syndrome 6 (AGS6). Identifiers: Orphanet 51, MedGen C3539013, MONDO:0014007, OMIM 615010.
Symmetrical dyschromatosis of extremities (DSH). Also called: DYSCHROMATOSIS SYMMETRICA HEREDITARIA 1; RETICULATE ACROPIGMENTATION OF DOHI; SYMMETRIC DYSCHROMATOSIS OF THE EXTREMITIES; Dyschromatosis symmetrica hereditaria. Identifiers: Orphanet 41, MedGen C0406775, MONDO:0007483, OMIM 127400.

Allele frequency attached by ClinVar (database versions not stated): gnomAD exomes below 0.00001; TOPMed below 0.00001; ExAC 0.00001.
gnomAD v4.1: 1 of 1,614,144 alleles (0.000062%); highest among the groups gnomAD compares: Non-Finnish European, 0.000085%; no homozygotes.

Submissions (2):

Labcorp Genetics (formerly Invitae), Labcorp
Classification: Uncertain significance for Aicardi-Goutieres syndrome 6; Symmetrical dyschromatosis of extremities. Last evaluated: 2022-10-19. Review status: criteria provided, single submitter. Criteria: Invitae Variant Classification Sherloc (09022015). Collection method: clinical testing. Allele origin: germline.
Comment: Algorithms developed to predict the effect of sequence changes on RNA splicing suggest that this variant may create or strengthen a splice site. This variant has not been reported in the literature in individuals affected with ADAR-related conditions. This variant is present in population databases (rs752034294, gnomAD 0.0009%). This sequence change affects codon 611 of the ADAR mRNA. It is a 'silent' change, meaning that it does not change the encoded amino acid sequence of the ADAR protein. In summary, the available evidence is currently insufficient to determine the role of this variant in disease. Therefore, it has been classified as a Variant of Uncertain Significance.

Blueprint Genetics
Classification: Uncertain significance. Last evaluated: 2017-10-09. Review status: criteria provided, single submitter. Criteria: ACMG Guidelines, 2015. Collection method: clinical testing. Allele origin: germline.